The following is an entry in ClinVar:

NC_000001.11:g.(?_193236246)_(193236366_?)del

Gene: CDC73 (cell division cycle 73; plus strand). Cytogenetic location: 1q31.2.
Variant type: Deletion.
Identifiers: ClinVar variation 583777 (VCV000583777.5).

ClinVar aggregate classification (germline): Pathogenic (1 of 4 stars; one submission).

Conditions:
Parathyroid carcinoma (PRTC). Also called: CDC73-Related Parathyroid Carcinoma; Parathyroid gland carcinoma. Identifiers: Orphanet 143, MedGen C0687150, MONDO:0012004, OMIM 608266, HP:0006780.

Submission:

Labcorp Genetics (formerly Invitae), Labcorp
Classification: Pathogenic for Parathyroid carcinoma. Last evaluated: 2019-04-25. Review status: criteria provided, single submitter. Criteria: Invitae Variant Classification Sherloc (09022015). Collection method: clinical testing. Allele origin: germline.
Comment: For these reasons, this variant has been classified as Pathogenic. Loss-of-function variants in CDC73 are known to be pathogenic (PMID: 12434154). This variant has not been reported in the literature in individuals with CDC73-related disease. This variant is an out-of-frame deletion of the genomic region encompassing exon 15 of the CDC73 gene. This is expected to create a premature translational stop signal and result in an absent or disrupted protein product.

Literature cited by the submitters: PubMed 12434154.